The following is an entry in ClinVar:

ClinVar aggregate classification (germline): Pathogenic. Review status: criteria provided, multiple submitters, no conflicts (2 of 4 stars). 11 submissions from 11 submitters: Pathogenic (9). 2 of the submissions do not count toward it. Last evaluated 2025-11-10.

Conditions:
Hereditary cancer-predisposing syndrome. Also called: Tumor predisposition; Hereditary neoplastic syndrome; Hereditary Cancer Syndrome; Neoplastic Syndromes, Hereditary. Identifiers: Orphanet 140162, MedGen C0027672, MeSH D009386, MONDO:0015356.
Fanconi anemia (FA). Also called: Fanconi's anemia. Identifiers: Orphanet 84, MedGen C0015625, MeSH D005199, MONDO:0019391.
Fanconi anemia complementation group C (FANCC). Also called: FANCC-Related Fanconi Anemia; Fanconi anemia, group C; FANCONI PANCYTOPENIA, TYPE 3; FACC. Identifiers: Orphanet 84, MedGen C3468041, MONDO:0009213, OMIM 227645.

Submissions (11):

Labcorp Genetics (formerly Invitae), Labcorp
Classification: Pathogenic for Fanconi anemia. Last evaluated: 2025-11-10. Review status: criteria provided, single submitter. Criteria: Invitae Variant Classification Sherloc (09022015). Collection method: clinical testing. Allele origin: germline.
Comment: This sequence change creates a premature translational stop signal (p.Asn152Lysfs*9) in the FANCC gene. It is expected to result in an absent or disrupted protein product. Loss-of-function variants in FANCC are known to be pathogenic (PMID: 17924555). This variant is present in population databases (rs774170058, gnomAD 0.004%). This premature translational stop signal has been observed in individual(s) with Fanconi anemia (PMID: 16429406). ClinVar contains an entry for this variant (Variation ID: 409657). For these reasons, this variant has been classified as Pathogenic.

Natera, Inc.
Classification: Pathogenic for Fanconi anemia. Last evaluated: 2025-07-28. Review status: criteria provided, single submitter. Criteria: Natera Variant Classification Schema (03/2026). Collection method: clinical testing. Allele origin: germline.
Comment: The c.455dupA variant in FANCC is a frameshift variant predicted to shift the reading frame beginning at codon 152 and leads to a stop codon 9 codons downstream. This variant is expected to result in nonsense mediated decay, truncation, or a dysfunctional protein product. This variant is rare in the general population with a frequency below the threshold expected for the associated phenotype(s). This variant has been observed in one or more individuals affected with the associated recessive disease, as either homozygous or compound heterozygous with a second variant (PMID: 16429406). Given the available evidence, this variant is classified as Pathogenic.

GeneDx
Classification: Pathogenic. Last evaluated: 2024-08-08. Review status: criteria provided, single submitter. Criteria: GeneDx Variant Classification Process June 2021. Collection method: clinical testing. Allele origin: germline. Affected: yes.
Comment: Frameshift variant predicted to result in protein truncation or nonsense mediated decay in a gene for which loss of function is a known mechanism of disease; Observed in individuals with colorectal, medulloblastoma, melanoma, and stomach cancer (PMID: 26689913, 29625052, 29753700, 33050356); Not observed at significant frequency in large population cohorts (gnomAD); This variant is associated with the following publications: (PMID: 35417938, 29038235, 25801821, 28717661, 29753700, 17924555, 26689913, 29922827, 29625052, 33050356, 36451132, 16429406, 37558815, Kolesnikova2024[CaseReport])

Fulgent Genetics
Classification: Pathogenic for Fanconi anemia complementation group C. Last evaluated: 2024-04-06. Review status: criteria provided, single submitter. Criteria: ACMG Guidelines, 2015. Collection method: clinical testing. Allele origin: germline.

Baylor Genetics
Classification: Pathogenic for Fanconi anemia complementation group C. Last evaluated: 2024-02-05. Review status: criteria provided, single submitter. Criteria: ACMG Guidelines, 2015. Collection method: clinical testing. Allele origin: unknown.

CeGaT Center for Human Genetics Tuebingen
Classification: Pathogenic. Last evaluated: 2023-07-01. Review status: criteria provided, single submitter. Criteria: CeGaT Center For Human Genetics Tuebingen Variant Classification Criteria Version 2. Collection method: clinical testing. Allele origin: germline. Affected: yes. Observed: 1 variant allele.
Comment: FANCC: PVS1, PM2

Ambry Genetics
Classification: Pathogenic for Hereditary cancer-predisposing syndrome. Last evaluated: 2022-06-20. Review status: criteria provided, single submitter. Criteria: Ambry Variant Classification Scheme 2023. Collection method: clinical testing. Allele origin: germline.
Comment: The c.455dupA pathogenic mutation, located in coding exon 4 of the FANCC gene, results from a duplication of A at nucleotide position 455, causing a translational frameshift with a predicted alternate stop codon (p.N152Kfs*9). This mutation (designated as c.455_456dupA) has been reported in the compound heterozygous state with another FANCC mutation in a patient with Fanconi anemia (Yates J et al. Hum. Mutat. 2006 Feb;27:214). In addition to the clinical data presented in the literature, this alteration is expected to result in loss of function by premature protein truncation or nonsense-mediated mRNA decay. As such, this alteration is interpreted as a disease-causing mutation.

Sema4
Classification: Pathogenic for Fanconi anemia. Last evaluated: 2021-10-18. Review status: criteria provided, single submitter. Criteria: Sema4 Curation Guidelines. Collection method: curation. Allele origin: germline.
Comment: The FANCC c.455dupA (p.N152KfsX9 ) variant has been reported in heterozygosity in at least 6 individuals with Fanconi Anemia, stomach adenocarcinoma, rectum adenocarcinoma, medulloblastoma, and melanoma (PMID: 16429406, 26689913, 29625052, 29753700, 17924555, 33050356). This variant causes a frameshift at amino acid 152 that results in premature termination 6 amino acids downstream. At this location, this is predicted to cause nonsense-mediated decay and result in an absent protein (loss of function). This variant was observed in 6/128852 chromosomes in the Non-Finnish European population, according to the Genome Aggregation Database (PMID: 32461654). This variant has been reported in ClinVar (Variation ID: 409657). Based on the current evidence available, this variant is interpreted as pathogenic.

Women's Health and Genetics/Laboratory Corporation of America, LabCorp
Classification: Pathogenic for Fanconi anemia, complementation group C. Last evaluated: 2020-08-10. Review status: criteria provided, single submitter. Criteria: LabCorp Variant Classification Summary - May 2015. Collection method: clinical testing. Allele origin: germline.
Comment: Variant summary: FANCC c.455dupA (p.Asn152LysfsX9) results in a premature termination codon, predicted to cause a truncation of the encoded protein or absence of the protein due to nonsense mediated decay, which are commonly known mechanisms for disease. Truncations downstream of this position have been classified as pathogenic by our laboratory. The variant allele was found at a frequency of 1.6e-05 in 250668 control chromosomes. c.455dupA has been reported in the literature in at-least one individual affected with Fanconi Anemia and has been subsequently cited by others in settings of tumor testing (example, Yates_2006, Ameziane_2008, Pilonetto_2017, Kato_2017, Cheng_2015, Waszak_2018). To our knowledge, no experimental evidence demonstrating an impact on protein function has been reported. Five clinical diagnostic laboratories have submitted clinical-significance assessments for this variant to ClinVar after 2014 without evidence for independent evaluation. All laboratories classified the variant as pathogenic (n=4)/likely pathogenic(n=1). Based on the evidence outlined above, the variant was classified as pathogenic.

Leiden Open Variation Database
Classification: Pathogenic for Fanconi anemia complementation group C. Last evaluated: 2020-02-28. Review status: no assertion criteria provided. Collection method: curation. Allele origin: germline. Affected: yes. Not counted in ClinVar's aggregate classification.
Comment: Curator: Arleen D. Auerbach. Submitters to LOVD: Arleen D. Auerbach, Johan de Winter.

Counsyl
Classification: Likely pathogenic for Fanconi anemia complementation group C. Last evaluated: 2015-06-03. Review status: no assertion criteria provided. Collection method: clinical testing. Allele origin: unknown. Not counted in ClinVar's aggregate classification.

Literature cited by the submitters: PubMed 17924555 (cited by 6 submitters); PubMed 16429406 (cited by 7 submitters); PubMed 28717661 (cited by Ambry Genetics and Women's Health and Genetics/Laboratory Corporation of America, LabCorp); PubMed 29753700 (cited by 3 submitters); PubMed 26689913 (cited by Sema4 and Women's Health and Genetics/Laboratory Corporation of America, LabCorp); PubMed 29625052 (cited by Sema4); PubMed 33050356 (cited by Sema4); PubMed 25801821 (cited by Women's Health and Genetics/Laboratory Corporation of America, LabCorp); PubMed 29038235 (cited by Women's Health and Genetics/Laboratory Corporation of America, LabCorp).

NM_000136.3(FANCC):c.455dup (p.Asn152fs)

Gene: FANCC (FA complementation group C; minus strand). Cytogenetic location: 9q22.32.
Variant type: Duplication.
Coding change: c.455dup on transcript NM_000136.3 (MANE Select); coding-DNA position 455, one base duplicated (A; older notation c.455dupA).
Protein change: p.Asn152fs; shifts the reading frame from asparagine 152.
Molecular consequence: frameshift variant.
Genome position (GRCh38, 1-based): chr9:95,172,038, T duplicated on the plus strand (A on the coding strand, the reverse complement: FANCC is on the minus strand); the first of 5 consecutive T bases (chr9:95,172,038-95,172,042); duplicating any one gives the same sequence. VCF-style (leftmost placement, unchanged base first): chr9-95172037-A-AT. GRCh37 (hg19) VCF-style: chr9-97934319-A-AT.
Other names: c.455dup, p.Asn152fs (NM_001243743.2, NM_001243744.2); c.455dup (NM_000136.2); short protein forms N152fs.
Identifiers: ClinVar variation 409657 (VCV000409657.54), dbSNP rs774170058, ClinGen allele CA5137745.